The following is an entry in ClinVar:

NM_001374828.1(ARID1B):c.1651C>A (p.Gln551Lys)

Gene: ARID1B (AT-rich interaction domain 1B; plus strand). Cytogenetic location: 6q25.3.
Variant type: single nucleotide variant.
Coding change: c.1651C>A on transcript NM_001374828.1 (MANE Select); coding-DNA position 1651, C replaced by A.
Protein change: p.Gln551Lys; replaces glutamine 551 with lysine.
Molecular consequence: missense variant.
Genome position (GRCh38, 1-based): chr6:156,779,331, C>A. VCF-style: chr6-156779331-C-A. GRCh37 (hg19) VCF-style: chr6-157100465-C-A.
Other names: c.1402C>A (NM_020732.3); c.1651C>A, p.Gln551Lys (NM_001371656.1, NM_001374820.1, NM_017519.3); short protein forms Q551K.
Identifiers: ClinVar variation 1177346 (VCV001177346.2), dbSNP rs1583027141, ClinGen allele CA366385260.

ClinVar aggregate classification (germline): Conflicting classifications of pathogenicity. Review status: criteria provided, conflicting classifications (1 of 4 stars). 2 submissions from 2 submitters: Likely pathogenic (1); Uncertain significance (1). Last evaluated 2022-10-04.

Conditions:
ARID1B-related BAFopathy.

Allele frequency attached by ClinVar (database versions not stated): gnomAD exomes below 0.00001.
gnomAD v4.1: 1 of 1,145,812 alleles (0.000087%); highest among the groups gnomAD compares: South Asian, 0.0042%; no homozygotes.

Submissions (2):

GeneDx
Classification: Uncertain significance. Last evaluated: 2022-10-04. Review status: criteria provided, single submitter. Criteria: GeneDx Variant Classification Process June 2021. Collection method: clinical testing. Allele origin: germline. Affected: yes.
Comment: Not observed at significant frequency in large population cohorts (gnomAD); In silico analysis supports that this missense variant does not alter protein structure/function; Has not been previously published as pathogenic or benign to our knowledge

Baylor Genetics
Classification: Likely pathogenic for ARID1B-related BAFopathy. Last evaluated: 2021-06-10. Review status: criteria provided, single submitter. Criteria: ACMG Guidelines, 2015. Collection method: clinical testing. Allele origin: de novo. Affected: yes.